The following is an entry in ClinVar:

NM_001447.3(FAT2):c.6149G>A (p.Arg2050Gln)

Genes: FAT2 (FAT atypical cadherin 2; minus strand), SLC36A1 (solute carrier family 36 member 1; plus strand). Cytogenetic location: 5q33.1.
Variant type: single nucleotide variant.
Coding change: c.6149G>A on transcript NM_001447.3 (MANE Select); coding-DNA position 6149, G replaced by A.
Protein change: p.Arg2050Gln; replaces arginine 2050 with glutamine.
Molecular consequence: missense variant.
Genome position (GRCh38, 1-based): chr5:151,544,978, C>T on the plus strand (G>A on the coding strand, the complement: FAT2 is on the minus strand). VCF-style: chr5-151544978-C-T. GRCh37 (hg19) VCF-style: chr5-150924539-C-T.
Other names: short protein forms R2050Q.
Identifiers: ClinVar variation 2169770 (VCV002169770.29), dbSNP rs61743243, ClinGen allele CA3521158.

ClinVar aggregate classification (germline): Benign/Likely benign. Review status: criteria provided, multiple submitters, no conflicts (2 of 4 stars). 3 submissions from 3 submitters: Benign (1); Likely benign (2). Last evaluated 2026-09-01.

Allele frequency attached by ClinVar (database versions not stated): ESP Exome Variant Server 0.00008; TOPMed 0.00020; gnomAD 0.00032; 1000 Genomes Project 30x 0.00047; 1000 Genomes Project 0.00060; ExAC 0.00123.
gnomAD v4.1: 821 of 1,614,172 alleles (0.051%); highest among the groups gnomAD compares: South Asian, 0.53%; 8 homozygotes.

Submissions (3):

CeGaT Center for Human Genetics Tuebingen
Classification: Likely benign. Last evaluated: 2026-09-01. Review status: criteria provided, single submitter. Criteria: CeGaT Center For Human Genetics Tuebingen Variant Classification Criteria Version 2. Collection method: clinical testing. Allele origin: germline. Affected: yes. Observed: 3 variant alleles.
Comment: FAT2: BP4, BS2

Labcorp Genetics (formerly Invitae), Labcorp
Classification: Benign. Last evaluated: 2025-10-02. Review status: criteria provided, single submitter. Criteria: Invitae Variant Classification Sherloc (09022015). Collection method: clinical testing. Allele origin: germline.

Blueprint Genetics
Classification: Likely benign. Last evaluated: 2024-06-28. Review status: criteria provided, single submitter. Criteria: ACMG Guidelines, 2015. Collection method: clinical testing. Allele origin: germline.